The following is an entry in ClinVar:

ClinVar aggregate classification (germline): Conflicting classifications of pathogenicity. Review status: criteria provided, conflicting classifications (1 of 4 stars). 4 submissions from 4 submitters: Uncertain significance (1); Likely benign (2). 1 of the submissions does not count toward it. Last evaluated 2025-08-09.

Conditions:
Joubert syndrome. Also called: JOUBERT-BOLTSHAUSER SYNDROME; Familial aplasia of the vermis. Identifiers: Orphanet 475, MedGen C5979921, MONDO:0018772.
Meckel-Gruber syndrome. Also called: Dysencephalia splachnocystica; GRUBER SYNDROME; DYSENCEPHALIA SPLANCHNOCYSTICA. Identifiers: Orphanet 564, MedGen C0265215, MONDO:0018921.
RPGRIP1L-related disorder. Also called: RPGRIP1L-related disorders; RPGRIP1L-related condition. Identifiers: MedGen CN239416.

Allele frequency attached by ClinVar (database versions not stated): ExAC 0.00002; gnomAD 0.00004; ESP Exome Variant Server 0.00008.
gnomAD v4.1: 78 of 1,613,994 alleles (0.0048%); highest among the groups gnomAD compares: Non-Finnish European, 0.0065%; no homozygotes.

Submissions (4):

Labcorp Genetics (formerly Invitae), Labcorp
Classification: Likely benign for Joubert syndrome; Meckel-Gruber syndrome. Last evaluated: 2025-08-09. Review status: criteria provided, single submitter. Criteria: Invitae Variant Classification Sherloc (09022015). Collection method: clinical testing. Allele origin: germline.

Blueprint Genetics
Classification: Likely benign. Last evaluated: 2024-11-25. Review status: criteria provided, single submitter. Criteria: ACMG Guidelines, 2015. Collection method: clinical testing. Allele origin: germline.

GeneDx
Classification: Uncertain significance. Last evaluated: 2022-11-01. Review status: criteria provided, single submitter. Criteria: GeneDx Variant Classification Process June 2021. Collection method: clinical testing. Allele origin: germline. Affected: yes.
Comment: Not observed at significant frequency in large population cohorts (gnomAD); In silico analysis supports that this variant does not alter splicing; Has not been previously published as pathogenic or benign to our knowledge

PreventionGenetics, part of Exact Sciences
Classification: Likely benign for RPGRIP1L-related condition. Last evaluated: 2022-03-24. Review status: no assertion criteria provided. Collection method: clinical testing. Allele origin: germline. Not counted in ClinVar's aggregate classification.
Comment: This variant is classified as likely benign based on ACMG/AMP sequence variant interpretation guidelines (Richards et al. 2015 PMID: 25741868, with internal and published modifications).

NM_015272.5(RPGRIP1L):c.2451C>T (p.Tyr817=)

Gene: RPGRIP1L (RPGRIP1 like; minus strand). Cytogenetic location: 16q12.2.
Variant type: single nucleotide variant.
Coding change: c.2451C>T on transcript NM_015272.5 (MANE Select); coding-DNA position 2451, C replaced by T.
Protein change: p.Tyr817=; no amino-acid change (tyrosine 817 retained).
Molecular consequence: synonymous variant.
Genome position (GRCh38, 1-based): chr16:53,645,857, G>A on the plus strand (C>T on the coding strand, the complement: RPGRIP1L is on the minus strand). VCF-style: chr16-53645857-G-A. GRCh37 (hg19) VCF-style: chr16-53679769-G-A.
Other names: c.2451C>T (NM_015272.4, NM_015272.2); c.2451C>T, p.Tyr817= (NM_001127897.4, NM_001308334.3, NM_001330538.2).
Identifiers: ClinVar variation 1142897 (VCV001142897.13), dbSNP rs145807002, ClinGen allele CA8057541.